The following is an entry in ClinVar:

NM_144498.4(OSBPL2):c.1112C>T (p.Pro371Leu)

Gene: OSBPL2 (oxysterol binding protein like 2; plus strand). Cytogenetic location: 20q13.33.
Variant type: single nucleotide variant.
Coding change: c.1112C>T on transcript NM_144498.4 (MANE Select); coding-DNA position 1112, C replaced by T.
Protein change: p.Pro371Leu; replaces proline 371 with leucine.
Molecular consequence: missense variant.
Genome position (GRCh38, 1-based): chr20:62,286,698, C>T. VCF-style: chr20-62286698-C-T. GRCh37 (hg19) VCF-style: chr20-60861754-C-T.
Other names: c.836C>T, p.Pro279Leu (NM_001278649.3, NM_001363878.2); c.1076C>T, p.Pro359Leu (NM_014835.5); short protein forms P279L, P359L, P371L.
Identifiers: ClinVar variation 1311634 (VCV001311634.3), dbSNP rs1160994506, ClinGen allele CA409518186.

ClinVar aggregate classification (germline): Conflicting classifications of pathogenicity. Review status: criteria provided, conflicting classifications (1 of 4 stars). 2 submissions from 2 submitters: Uncertain significance (1); Likely benign (1). Last evaluated 2020-07-15.

Allele frequency attached by ClinVar (database versions not stated): gnomAD exomes below 0.00001; TOPMed below 0.00001.
gnomAD v4.1: 1 of 1,612,604 alleles (0.000062%); highest among the groups gnomAD compares: Admixed American, 0.0017%; no homozygotes.

Submissions (2):

Blueprint Genetics
Classification: Likely benign. Last evaluated: 2020-07-15. Review status: criteria provided, single submitter. Criteria: ACMG Guidelines, 2015. Collection method: clinical testing. Allele origin: germline.

GeneDx
Classification: Uncertain significance. Last evaluated: 2020-01-06. Review status: criteria provided, single submitter. Criteria: GeneDx Variant Classification Process June 2021. Collection method: clinical testing. Allele origin: germline. Affected: yes.
Comment: Not observed at a significant frequency in large population cohorts (Lek et al., 2016); In silico analysis, which includes protein predictors and evolutionary conservation, supports a deleterious effect; Has not been previously published as pathogenic or benign to our knowledge